The following is an entry in ClinVar:

ClinVar aggregate classification (germline): Uncertain significance (1 of 4 stars; one submission).

gnomAD v4.1: 7 of 1,263,126 alleles (0.00055%); highest among the groups gnomAD compares: Non-Finnish European, 0.0006%; no homozygotes.

Submission:

Labcorp Genetics (formerly Invitae), Labcorp
Classification: Uncertain significance. Last evaluated: 2024-07-23. Review status: criteria provided, single submitter. Criteria: Invitae Variant Classification Sherloc (09022015). Collection method: clinical testing. Allele origin: germline.
Comment: This sequence change replaces cysteine, which is neutral and slightly polar, with phenylalanine, which is neutral and non-polar, at codon 19 of the GSN protein (p.Cys19Phe). This variant is not present in population databases (gnomAD no frequency). This variant has not been reported in the literature in individuals affected with GSN-related conditions. An algorithm developed to predict the effect of missense changes on protein structure and function (PolyPhen-2) suggests that this variant is likely to be disruptive. In summary, the available evidence is currently insufficient to determine the role of this variant in disease. Therefore, it has been classified as a Variant of Uncertain Significance.

NM_198252.3(GSN):c.-9-2046G>T

Gene: GSN (gelsolin; plus strand). Cytogenetic location: 9q33.2.
Variant type: single nucleotide variant.
Coding change: c.-9-2046G>T on transcript NM_198252.3 (MANE Select); 2046 bases into the intron before 9 bases upstream of the start codon, G replaced by T.
Molecular consequence: intron variant. On other transcripts: missense variant (1).
Genome position (GRCh38, 1-based): chr9:121,299,917, G>T. VCF-style: chr9-121299917-G-T. GRCh37 (hg19) VCF-style: chr9-124062195-G-T.
Other names: c.-47-139G>T (NM_001127666.2, NM_001353067.2, NM_001353075.1 and 8 more transcripts); c.-38-148G>T (NM_001127667.2, NM_001353063.2, NM_001353073.2 and 2 more transcripts); c.-1-2054G>T (NM_001353057.2, NM_001353058.2, NM_001353059.2 and 1 more transcripts); c.-458-2994G>T (NM_001353078.2); c.-9-2046G>T (NM_001127662.2, NM_001353062.1, NM_001353054.1 and 5 more transcripts); c.43-2046G>T (NM_001258029.2); c.16-2046G>T (NM_001258030.2); c.-32-154G>T (NM_001353070.2); and 3 more; short protein forms C19F.
Identifiers: ClinVar variation 3616094 (VCV003616094.2).